The following is an entry in ClinVar:

ClinVar aggregate classification (germline): Pathogenic/Likely pathogenic. Review status: criteria provided, multiple submitters, no conflicts (2 of 4 stars). 3 submissions from 3 submitters: Pathogenic (2); Likely pathogenic (1). Last evaluated 2025-02-11.

Conditions:
Long QT syndrome (LQTS). Identifiers: MedGen C0023976, MeSH D008133, MONDO:0002442. Disease mechanism: loss of function. Inheritance: Various modes of inheritance.
KCNH2-related disorder. Also called: KCNH2-related condition; KCNH2-related disorders.
Cardiovascular phenotype. Identifiers: MedGen CN230736.

Submissions (3):

Ambry Genetics
Classification: Pathogenic for Cardiovascular phenotype. Last evaluated: 2025-02-11. Review status: criteria provided, single submitter. Criteria: Ambry Variant Classification Scheme 2023. Collection method: clinical testing. Allele origin: germline.
Comment: The c.3101_3108delCCCGGGGC (p.P1034Rfs*82) alteration, located in exon 13 (coding exon 13) of the KCNH2 gene, consists of a deletion of 8 nucleotides from position 3101 to 3108, causing a translational frameshift with a predicted alternate stop codon after 82 amino acids. This variant is not expected to trigger nonsense-mediated mRNA decay and impacts the last 10% of the protein. However, premature stop codons are typically deleterious in nature and a significant portion of the protein is affected (Ambry internal data). This variant was not reported in population-based cohorts in the Genome Aggregation Database (gnomAD). Based on the available evidence, this alteration is classified as pathogenic.

Blueprint Genetics
Classification: Likely pathogenic for KCNH2-related disorders. Last evaluated: 2020-12-28. Review status: criteria provided, single submitter. Criteria: ACMG Guidelines, 2015. Collection method: clinical testing. Allele origin: germline. Affected: yes. Observed: 2 variant alleles.

Labcorp Genetics (formerly Invitae), Labcorp
Classification: Pathogenic for Long QT syndrome. Last evaluated: 2020-07-30. Review status: criteria provided, single submitter. Criteria: Invitae Variant Classification Sherloc (09022015). Collection method: clinical testing. Allele origin: germline.
Comment: For these reasons, this variant has been classified as Pathogenic. This variant disrupts the C-terminus of the KCNH2 protein. Other variant(s) that disrupt this region (p.Glu1119*) have been determined to be pathogenic (PMID: 27920829). This suggests that variants that disrupt this region of the protein are likely to be causative of disease. This variant has been observed in individual(s) with long QT syndrome (PMID: 24679481, 15840476). It has also been observed to segregate with disease in related individuals. The frequency data for this variant in the population databases is considered unreliable, as metrics indicate insufficient coverage at this position in the ExAC database. This sequence change results in a premature translational stop signal in the KCNH2 gene (p.Pro1034Argfs*82). While this is not anticipated to result in nonsense mediated decay, it is expected to disrupt the last 126 amino acids of the KCNH2 protein.

Literature cited by the submitters: PubMed 27920829 (cited by Labcorp Genetics (formerly Invitae), Labcorp); PubMed 24679481 (cited by Labcorp Genetics (formerly Invitae), Labcorp); PubMed 15840476 (cited by Labcorp Genetics (formerly Invitae), Labcorp).

NM_000238.4(KCNH2):c.3101_3108del (p.Pro1034fs)

Gene: KCNH2 (potassium voltage-gated channel subfamily H member 2; minus strand). Cytogenetic location: 7q36.1.
Variant type: Deletion.
Coding change: c.3101_3108del on transcript NM_000238.4 (MANE Select); coding-DNA positions 3101 to 3108, 8 bases deleted (CCCGGGGC; older notation c.3101_3108delCCCGGGGC).
Protein change: p.Pro1034fs; shifts the reading frame from proline 1034.
Molecular consequence: frameshift variant.
Genome position (GRCh38, 1-based): chr7:150,947,372-150,947,379, GCCCCGGG deleted on the plus strand (CCCGGGGC on the coding strand, the reverse complement: KCNH2 is on the minus strand); deleting any 8 consecutive bases within chr7:150,947,372-150,947,382 gives the same sequence; the c. name uses the placement nearest the transcript's 3' end. VCF-style (leftmost placement, unchanged base first): chr7-150947371-CGCCCCGGG-C. GRCh37 (hg19) VCF-style: chr7-150644459-CGCCCCGGG-C.
Other names: c.2081_2088del, p.Pro694fs (NM_172057.3); c.3101_3108delCCCGGGGC (NM_000238.3); short protein forms P1034fs, P694fs.
Identifiers: ClinVar variation 1074304 (VCV001074304.12), dbSNP rs2116928626, ClinGen allele CA2499218782.